The following is an entry in ClinVar:

NM_007294.4(BRCA1):c.1692_1697dup (p.Glu565_Lys566insAsnGlu)

Gene: BRCA1 (BRCA1 DNA repair associated; minus strand). Cytogenetic location: 17q21.31.
Variant type: Duplication.
Coding change: c.1692_1697dup on transcript NM_007294.4 (MANE Select); coding-DNA positions 1692 to 1697, 6 bases duplicated (TGAGAA; older notation c.1692_1697dupTGAGAA).
Protein change: p.Glu565_Lys566insAsnGlu.
Molecular consequence: inframe insertion. On other transcripts: intron variant (137).
Genome position (GRCh38, 1-based): chr17:43,093,834-43,093,839, TTCTCA duplicated on the plus strand (TGAGAA on the coding strand, the reverse complement: BRCA1 is on the minus strand); duplicating any 6 consecutive bases within chr17:43,093,834-43,093,843 gives the same sequence; the c. name uses the placement nearest the transcript's 3' end. VCF-style (leftmost placement, unchanged base first): chr17-43093833-T-TTTCTCA. GRCh37 (hg19) VCF-style: chr17-41245850-T-TTTCTCA.
Other names: c.1569_1574dup, p.Glu524_Lys525insAsnGlu (NM_001407863.1, NM_001407937.1, NM_001407938.1 and 19 more transcripts); c.1428_1433dup, p.Glu477_Lys478insAsnGlu (NM_001407927.1, NM_001407928.1, NM_001407929.1 and 9 more transcripts); c.1488_1493dup, p.Glu497_Lys498insAsnGlu (NM_001407874.1, NM_001407875.1); c.1482_1487dup, p.Glu495_Lys496insAsnGlu (NM_001407879.1, NM_001407881.1, NM_001407882.1 and 13 more transcripts); c.1425_1430dup, p.Glu476_Lys477insAsnGlu (NM_001407930.1, NM_001407931.1, NM_001407932.1 and 2 more transcripts); c.1188_1193dup, p.Glu397_Lys398insAsnGlu (NM_001407965.1); c.804_809dup, p.Glu269_Lys270insAsnGlu (NM_001407966.1, NM_001407967.1); c.1551_1556dup, p.Glu518_Lys519insAsnGlu (NM_007297.4, NM_001407942.1, NM_001407944.1 and 29 more transcripts); and 40 more.
Identifiers: ClinVar variation 4731952 (VCV004731952.1).

ClinVar aggregate classification (germline): Uncertain significance (1 of 4 stars; one submission).

Conditions:
Hereditary breast ovarian cancer syndrome. Also called: BRCA1- and BRCA2-Associated Hereditary Breast and Ovarian Cancer; Breast and ovarian cancer; Hereditary breast and ovarian cancer; Hereditary breast and ovarian cancer syndrome (HBOC); Hereditary breast and ovarian cancer syndrome; Hereditary breast and/or ovarian cancer syndrome. Identifiers: Orphanet 145, MedGen C0677776, MeSH D061325, MONDO:0003582. Disease mechanism: loss of function.

Submission:

Labcorp Genetics (formerly Invitae), Labcorp
Classification: Uncertain significance for Hereditary breast ovarian cancer syndrome. Last evaluated: 2025-11-25. Review status: criteria provided, single submitter. Criteria: Invitae Variant Classification Sherloc (09022015). Collection method: clinical testing. Allele origin: germline.
Comment: This variant, c.1692_1697dup, results in the insertion of 2 amino acid(s) of the BRCA1 protein (p.Asn564_Glu565dup), but otherwise preserves the integrity of the reading frame. This variant is not present in population databases (gnomAD no frequency). This variant has not been reported in the literature in individuals affected with BRCA1-related conditions. In summary, the available evidence is currently insufficient to determine the role of this variant in disease. Therefore, it has been classified as a Variant of Uncertain Significance.